The following is an entry in ClinVar:

ClinVar aggregate classification (germline): Uncertain significance (1 of 4 stars; one submission).

Conditions:
Cardiovascular phenotype. Identifiers: MedGen CN230736.
Hereditary cancer-predisposing syndrome. Also called: Neoplastic Syndromes, Hereditary; Hereditary Cancer Syndrome; Tumor predisposition; Hereditary neoplastic syndrome. Identifiers: Orphanet 140162, MedGen C0027672, MeSH D009386, MONDO:0015356.

Submission:

Ambry Genetics
Classification: Uncertain significance for Cardiovascular phenotype; Hereditary cancer-predisposing syndrome. Last evaluated: 2023-01-07. Review status: criteria provided, single submitter. Criteria: Ambry Variant Classification Scheme 2023. Collection method: clinical testing. Allele origin: germline.
Comment: The p.S621A variant (also known as c.1861T>G), located in coding exon 16 of the LZTR1 gene, results from a T to G substitution at nucleotide position 1861. The serine at codon 621 is replaced by alanine, an amino acid with similar properties. This amino acid position is conserved. In addition, this alteration is predicted to be tolerated by in silico analysis. Since supporting evidence is limited at this time, the clinical significance of this alteration remains unclear.

NM_006767.4(LZTR1):c.1861T>G (p.Ser621Ala)

Gene: LZTR1 (leucine zipper like post translational regulator 1; plus strand). Cytogenetic location: 22q11.21.
Variant type: single nucleotide variant.
Coding change: c.1861T>G on transcript NM_006767.4 (MANE Select); coding-DNA position 1861, T replaced by G.
Protein change: p.Ser621Ala; replaces serine 621 with alanine.
Molecular consequence: missense variant.
Genome position (GRCh38, 1-based): chr22:20,994,945, T>G. VCF-style: chr22-20994945-T-G. GRCh37 (hg19) VCF-style: chr22-21349234-T-G.
Other names: short protein forms S621A.
Identifiers: ClinVar variation 2447733 (VCV002447733.2), dbSNP rs2518622484, ClinGen allele CA410778617.
Genomic context (GRCh38, chr22:20,994,945, plus strand): 5'-TTCGTGGTAAAGGAGTCCCACTTCAACCAGGTGATCATGATGAAGGAGTTCGAGCGCCTC[T>G]CCTCTCCACTGATAGTGGAGATTGTGCGGCGGAAGCAGCAGCCGCCCCCTCGCACTCCCT-3'
Protein context (NP_006758.2, residues 611-631): VIMMKEFERL[Ser621Ala]SPLIVEIVRR